The following is an entry in ClinVar:

ClinVar aggregate classification (germline): Uncertain significance (1 of 4 stars; one submission).

Conditions:
Hereditary cancer-predisposing syndrome. Also called: Hereditary neoplastic syndrome; Hereditary Cancer Syndrome; Neoplastic Syndromes, Hereditary; Tumor predisposition. Identifiers: Orphanet 140162, MedGen C0027672, MeSH D009386, MONDO:0015356.

Submission:

Labcorp Genetics (formerly Invitae), Labcorp
Classification: Uncertain significance for Hereditary cancer-predisposing syndrome. Last evaluated: 2023-11-08. Review status: criteria provided, single submitter. Criteria: Invitae Variant Classification Sherloc (09022015). Collection method: clinical testing. Allele origin: germline.
Comment: This sequence change replaces proline, which is neutral and non-polar, with serine, which is neutral and polar, at codon 780 of the RAD50 protein (p.Pro780Ser). This variant is not present in population databases (gnomAD no frequency). This variant has not been reported in the literature in individuals affected with RAD50-related conditions. Advanced modeling of protein sequence and biophysical properties (such as structural, functional, and spatial information, amino acid conservation, physicochemical variation, residue mobility, and thermodynamic stability) performed at Invitae indicates that this missense variant is not expected to disrupt RAD50 protein function with a negative predictive value of 80%. In summary, the available evidence is currently insufficient to determine the role of this variant in disease. Therefore, it has been classified as a Variant of Uncertain Significance.

NM_005732.4(RAD50):c.2338C>T (p.Pro780Ser)

Gene: RAD50 (RAD50 double strand break repair protein; plus strand). Cytogenetic location: 5q31.1.
Variant type: single nucleotide variant.
Coding change: c.2338C>T on transcript NM_005732.4 (MANE Select); coding-DNA position 2338, C replaced by T.
Protein change: p.Pro780Ser; replaces proline 780 with serine.
Molecular consequence: missense variant.
Genome position (GRCh38, 1-based): chr5:132,603,430, C>T. VCF-style: chr5-132603430-C-T. GRCh37 (hg19) VCF-style: chr5-131939122-C-T.
Other names: short protein forms P780S.
Identifiers: ClinVar variation 2772610 (VCV002772610.3), dbSNP rs371823530, ClinGen allele CA360954746.